The following is an entry in ClinVar:

NM_017841.4(SDHAF2):c.233del (p.Gly78fs)

Gene: SDHAF2 (succinate dehydrogenase complex assembly factor 2; plus strand). Cytogenetic location: 11q12.2.
Variant type: Deletion.
Coding change: c.233del on transcript NM_017841.4 (MANE Select); coding-DNA position 233, one base deleted (G; older notation c.233delG).
Protein change: p.Gly78fs; shifts the reading frame from glycine 78.
Molecular consequence: frameshift variant.
Genome position (GRCh38, 1-based): chr11:61,437,821, G deleted; the last of 4 consecutive G bases (chr11:61,437,818-61,437,821); deleting any one gives the same sequence. VCF-style (leftmost placement, unchanged base first): chr11-61437817-AG-A. GRCh37 (hg19) VCF-style: chr11-61205289-AG-A.
Other names: short protein forms G78fs.
Identifiers: ClinVar variation 2625581 (VCV002625581.2), dbSNP rs2540124427, ClinGen allele CA2582341871.
Genomic context (GRCh38, chr11:61,437,817, plus strand): 5'-GAGAGAACTGATGAATCCATAGAAACCAAAAGAGCCCGCCTGCTCTATGAGAGCAGAAAG[AG>A]GGGAATGTTGGAAAACTGCATTCTTCTTAGGTATGGGACTAGGAGTCTTTTTTTTTAAAT-3'

ClinVar aggregate classification (germline): Pathogenic (1 of 4 stars; one submission).

Conditions:
Hereditary cancer-predisposing syndrome. Also called: Tumor predisposition; Hereditary Cancer Syndrome; Hereditary neoplastic syndrome; Neoplastic Syndromes, Hereditary. Identifiers: Orphanet 140162, MedGen C0027672, MeSH D009386, MONDO:0015356.

Submission:

Ambry Genetics
Classification: Pathogenic for Hereditary cancer-predisposing syndrome. Last evaluated: 2023-09-02. Review status: criteria provided, single submitter. Criteria: Ambry Variant Classification Scheme 2023. Collection method: clinical testing. Allele origin: germline.
Comment: The c.233delG pathogenic mutation, located in coding exon 2 of the SDHAF2 gene, results from a deletion of one nucleotide at nucleotide position 233, causing a translational frameshift with a predicted alternate stop codon (p.G78Efs*20). This alteration is expected to result in loss of function by premature protein truncation or nonsense-mediated mRNA decay. As such, this alteration is interpreted as a disease-causing mutation.